The following is an entry in ClinVar:

ClinVar aggregate classification (germline): Benign (1 of 4 stars; one submission).

Conditions:
Familial cancer of breast. Also called: Hereditary breast cancer; hereditary breast carcinoma; BREAST CANCER, FAMILIAL. Identifiers: Orphanet 227535, MedGen C0346153, MONDO:0016419, OMIM 114480. Disease mechanism: loss of function.

gnomAD v4.1: 1 of 1,614,038 alleles (0.000062%); highest among the groups gnomAD compares: Non-Finnish European, 0.000085%; no homozygotes.

Submission:

Myriad Genetics, Inc.
Classification: Benign for Familial cancer of breast. Last evaluated: 2025-01-10. Review status: criteria provided, single submitter. Criteria: Myriad Autosomal Dominant, Autosomal Recessive and X-Linked Classification Criteria (2023). Collection method: clinical testing. Allele origin: unknown.
Comment: This variant is considered benign. This variant is a silent/synonymous amino acid change and it is not expected to impact splicing.

NM_024675.4(PALB2):c.489C>T (p.Val163=)

Gene: PALB2 (partner and localizer of BRCA2; minus strand). Cytogenetic location: 16p12.2.
Variant type: single nucleotide variant.
Coding change: c.489C>T on transcript NM_024675.4 (MANE Select); coding-DNA position 489, C replaced by T.
Protein change: p.Val163=; no amino-acid change (valine 163 retained).
Molecular consequence: synonymous variant. On other transcripts: 5 prime UTR variant (8), intron variant (3).
Genome position (GRCh38, 1-based): chr16:23,636,057, G>A on the plus strand (C>T on the coding strand, the complement: PALB2 is on the minus strand). VCF-style: chr16-23636057-G-A. GRCh37 (hg19) VCF-style: chr16-23647378-G-A.
Other names: c.429C>T, p.Val143= (NM_001407296.1); c.489C>T, p.Val163= (NM_001407297.1, NM_001407298.1, NM_001407299.1 and 3 more transcripts); c.-397C>T (NM_001407304.1, NM_001407305.1, NM_001407306.1 and 5 more transcripts); c.48+5053C>T (NM_001407314.1); c.-105+5053C>T (NM_001407313.1, NM_001407312.1).
Identifiers: ClinVar variation 3904186 (VCV003904186.1).